The following is an entry in ClinVar:

ClinVar aggregate classification (germline): Conflicting classifications of pathogenicity. Review status: criteria provided, conflicting classifications (1 of 4 stars). 2 submissions from 2 submitters: Uncertain significance (1); Likely benign (1). Last evaluated 2025-03-30.

Submissions (2):

Ambry Genetics
Classification: Likely benign. Last evaluated: 2025-03-30. Review status: criteria provided, single submitter. Criteria: Ambry Variant Classification Scheme 2023. Collection method: clinical testing. Allele origin: germline.

Labcorp Genetics (formerly Invitae), Labcorp
Classification: Uncertain significance. Last evaluated: 2024-01-09. Review status: criteria provided, single submitter. Criteria: Invitae Variant Classification Sherloc (09022015). Collection method: clinical testing. Allele origin: germline.
Comment: This sequence change replaces leucine, which is neutral and non-polar, with proline, which is neutral and non-polar, at codon 150 of the MKL1 protein (p.Leu150Pro). This variant is not present in population databases (gnomAD no frequency). This variant has not been reported in the literature in individuals affected with MKL1-related conditions. Algorithms developed to predict the effect of missense changes on protein structure and function output the following: SIFT: "Not Available"; PolyPhen-2: "Benign"; Align-GVGD: "Not Available". The proline amino acid residue is found in multiple mammalian species, which suggests that this missense change does not adversely affect protein function. In summary, the available evidence is currently insufficient to determine the role of this variant in disease. Therefore, it has been classified as a Variant of Uncertain Significance.

NM_020831.6(MRTFA):c.749T>C (p.Leu250Pro)

Gene: MRTFA (myocardin related transcription factor A; minus strand). Cytogenetic location: 22q13.1.
Variant type: single nucleotide variant.
Coding change: c.749T>C on transcript NM_020831.6 (MANE Select); coding-DNA position 749, T replaced by C.
Protein change: p.Leu250Pro; replaces leucine 250 with proline.
Molecular consequence: missense variant.
Genome position (GRCh38, 1-based): chr22:40,424,234, A>G on the plus strand (T>C on the coding strand, the complement: MRTFA is on the minus strand). VCF-style: chr22-40424234-A-G. GRCh37 (hg19) VCF-style: chr22-40820238-A-G.
Other names: c.449T>C (NM_020831.3); c.449T>C, p.Leu150Pro (NM_001282660.2); c.749T>C, p.Leu250Pro (NM_001282661.3, NM_001282662.3); c.554T>C, p.Leu185Pro (NM_001318139.2); short protein forms L250P, L150P, L185P.
Identifiers: ClinVar variation 3018941 (VCV003018941.4), dbSNP rs2147080815, ClinGen allele CA411665956.